The following is an entry in ClinVar:

NM_005051.3(QARS1):c.134G>T (p.Gly45Val)

Gene: QARS1 (glutaminyl-tRNA synthetase 1; minus strand). Cytogenetic location: 3p21.31.
Variant type: single nucleotide variant.
Coding change: c.134G>T on transcript NM_005051.3 (MANE Select); coding-DNA position 134, G replaced by T.
Protein change: p.Gly45Val; replaces glycine 45 with valine.
Molecular consequence: missense variant. On other transcripts: non-coding transcript variant (1).
Genome position (GRCh38, 1-based): chr3:49,104,455, C>A on the plus strand (G>T on the coding strand, the complement: QARS1 is on the minus strand). VCF-style: chr3-49104455-C-A. GRCh37 (hg19) VCF-style: chr3-49141888-C-A.
Other names: c.134G>T, p.Gly45Val (NM_001272073.2); short protein forms G45V.
Identifiers: ClinVar variation 127115 (VCV000127115.14), dbSNP rs587777331, ClinGen allele CA214473.

ClinVar aggregate classification (germline): Pathogenic/Likely pathogenic. Review status: criteria provided, multiple submitters, no conflicts (2 of 4 stars). 6 submissions from 6 submitters: Pathogenic (3); Likely pathogenic (1). 2 of the submissions do not count toward it. Last evaluated 2025-09-07.

Conditions:
QARS1-related disorder. Also called: QARS1-related condition.
Diffuse cerebral and cerebellar atrophy - intractable seizures - progressive microcephaly syndrome. Also called: Microcephaly, progressive, with seizures and cerebral and cerebellar atrophy. Identifiers: Orphanet 404437, MedGen C4014239, MONDO:0014335, OMIM 615760.
QARS-related disorders.

Allele frequency attached by ClinVar (database versions not stated): gnomAD exomes 0.00002; ExAC 0.00003; gnomAD 0.00003; TOPMed 0.00005.
gnomAD v4.1: 130 of 1,614,008 alleles (0.0081%); highest among the groups gnomAD compares: Non-Finnish European, 0.0099%; no homozygotes.

Submissions (6):

Labcorp Genetics (formerly Invitae), Labcorp
Classification: Pathogenic for Diffuse cerebral and cerebellar atrophy - intractable seizures - progressive microcephaly syndrome. Last evaluated: 2025-09-07. Review status: criteria provided, single submitter. Criteria: Invitae Variant Classification Sherloc (09022015). Collection method: clinical testing. Allele origin: germline.
Comment: This sequence change replaces glycine, which is neutral and non-polar, with valine, which is neutral and non-polar, at codon 45 of the QARS protein (p.Gly45Val). This variant is present in population databases (rs587777331, gnomAD 0.006%). This missense change has been observed in individual(s) with autosomal recessive microcephaly, seizures and cerebral-cerebellar atrophy (PMID: 24656866). In at least one individual the data is consistent with being in trans (on the opposite chromosome) from a pathogenic variant. It has also been observed to segregate with disease in related individuals. ClinVar contains an entry for this variant (Variation ID: 127115). Invitae Evidence Modeling of protein sequence and biophysical properties (such as structural, functional, and spatial information, amino acid conservation, physicochemical variation, residue mobility, and thermodynamic stability) has been performed for this missense variant. However, the output from this modeling did not meet the statistical confidence thresholds required to predict the impact of this variant on QARS protein function. Experimental studies have shown that this missense change affects QARS function (PMID: 24656866, 26869582). For these reasons, this variant has been classified as Pathogenic.

Laboratory of Genetics, Children's Clinical University Hospital Latvia
Classification: Pathogenic. Last evaluated: 2025-02-16. Review status: criteria provided, single submitter. Criteria: ACMG Guidelines, 2015. Collection method: clinical testing. Allele origin: germline. Affected: yes.

Blueprint Genetics
Classification: Likely pathogenic for QARS-related disorders. Last evaluated: 2024-07-19. Review status: criteria provided, single submitter. Criteria: ACMG Guidelines, 2015. Collection method: clinical testing. Allele origin: germline. Affected: yes. Observed: 3 variant alleles.

GeneDx
Classification: Pathogenic. Last evaluated: 2024-01-26. Review status: criteria provided, single submitter. Criteria: GeneDx Variant Classification Process June 2021. Collection method: clinical testing. Allele origin: germline. Affected: yes.
Comment: Published functional studies demonstrate that G45V causes loss of protein function (PMID: 24656866); In silico analysis supports that this missense variant has a deleterious effect on protein structure/function; Not observed at significant frequency in large population cohorts (gnomAD); This variant is associated with the following publications: (PMID: 25041233, 26869582, 25471517, 24656866, 31440721)

PreventionGenetics, part of Exact Sciences
Classification: Likely pathogenic for QARS1-related condition. Last evaluated: 2024-08-09. Review status: no assertion criteria provided. Collection method: clinical testing. Allele origin: germline. Not counted in ClinVar's aggregate classification.
Comment: The QARS1 c.134G>T variant is predicted to result in the amino acid substitution p.Gly45Val. This variant was reported in the compound heterozygous state with a second QARS1 variant in two siblings who presented with progressive microcephaly, intractable seizures in infancy, and brain abnormalities (Zhang et al. 2014. PubMed ID: 24656866). In functional studies, the p.Gly45Val substitution decreased activity of the glutaminyl-tRNA synthetase, which is encoded by the QARS1 gene (Zhang et al. 2014. PubMed ID: 24656866; Ognjenović et al. 2016. PubMed ID: 26869582). This variant is reported in 0.0058% of alleles in individuals of Latino descent in gnomAD. Based on the collective evidence, this variant is interpreted as likely pathogenic.

OMIM
Classification: Pathogenic for MICROCEPHALY, PROGRESSIVE, WITH SEIZURES AND CEREBRAL AND CEREBELLAR ATROPHY. Last evaluated: 2014-04-03. Review status: no assertion criteria provided. Collection method: literature only. Allele origin: germline. Not counted in ClinVar's aggregate classification.

Literature cited by the submitters: PubMed 24656866 (cited by Labcorp Genetics (formerly Invitae), Labcorp and OMIM); PubMed 26869582 (cited by Labcorp Genetics (formerly Invitae), Labcorp).